The following is an entry in ClinVar:

NM_000135.4(FANCA):c.1690A>G (p.Ile564Val)

Gene: FANCA (FA complementation group A; minus strand). Cytogenetic location: 16q24.3.
Variant type: single nucleotide variant.
Coding change: c.1690A>G on transcript NM_000135.4 (MANE Select); coding-DNA position 1690, A replaced by G.
Protein change: p.Ile564Val; replaces isoleucine 564 with valine.
Molecular consequence: missense variant.
Genome position (GRCh38, 1-based): chr16:89,779,894, T>C on the plus strand (A>G on the coding strand, the complement: FANCA is on the minus strand). VCF-style: chr16-89779894-T-C. GRCh37 (hg19) VCF-style: chr16-89846302-T-C.
Other names: c.1690A>G, p.Ile564Val (NM_001286167.3); short protein forms I564V.
Identifiers: ClinVar variation 2741818 (VCV002741818.3), dbSNP rs1032990637, ClinGen allele CA397455984.

ClinVar aggregate classification (germline): Uncertain significance (1 of 4 stars; one submission).

Conditions:
Fanconi anemia (FA). Also called: Fanconi's anemia. Identifiers: Orphanet 84, MedGen C0015625, MeSH D005199, MONDO:0019391.

gnomAD v4.1: 3 of 1,613,984 alleles (0.00019%); highest among the groups gnomAD compares: African/African-American, 0.0027%; no homozygotes.

Submission:

Labcorp Genetics (formerly Invitae), Labcorp
Classification: Uncertain significance for Fanconi anemia. Last evaluated: 2024-01-25. Review status: criteria provided, single submitter. Criteria: Invitae Variant Classification Sherloc (09022015). Collection method: clinical testing. Allele origin: germline.
Comment: This sequence change replaces isoleucine, which is neutral and non-polar, with valine, which is neutral and non-polar, at codon 564 of the FANCA protein (p.Ile564Val). This variant is present in population databases (no rsID available, gnomAD 0.003%). This variant has not been reported in the literature in individuals affected with FANCA-related conditions. Advanced modeling of protein sequence and biophysical properties (such as structural, functional, and spatial information, amino acid conservation, physicochemical variation, residue mobility, and thermodynamic stability) performed at Invitae indicates that this missense variant is not expected to disrupt FANCA protein function with a negative predictive value of 80%. In summary, the available evidence is currently insufficient to determine the role of this variant in disease. Therefore, it has been classified as a Variant of Uncertain Significance.